The following is an entry in ClinVar:

NM_002769.5(PRSS1):c.705T>C (p.Tyr235=)

Genes: TRB (T cell receptor beta locus; plus strand), PRSS1 (serine protease 1; plus strand). Cytogenetic location: 7q34.
Variant type: single nucleotide variant.
Coding change: c.705T>C on transcript NM_002769.5 (MANE Select); coding-DNA position 705, T replaced by C.
Protein change: p.Tyr235=; no amino-acid change (tyrosine 235 retained).
Molecular consequence: synonymous variant. On other transcripts: non-coding transcript variant (5).
Genome position (GRCh38, 1-based): chr7:142,752,981, T>C. VCF-style: chr7-142752981-T-C. GRCh37 (hg19) VCF-style: chr7-142460832-T-C.
Identifiers: ClinVar variation 1756948 (VCV001756948.9), dbSNP rs1042921, ClinGen allele CA4530145.
Genomic context (GRCh38, chr7:142,752,981, plus strand): 5'-CTGGGGTGATGGCTGTGCCCAGAAGAACAAGCCTGGAGTCTACACCAAGGTCTACAACTA[T>C]GTGAAATGGATTAAGAACACCATAGCTGCCAATAGCTAAAGCCCCCAGTATCTCTTCAGT-3'
Protein context (NP_002760.1, residues 225-245): KPGVYTKVYN[Tyr235=]VKWIKNTIAA

ClinVar aggregate classification (germline): Likely benign. Review status: criteria provided, multiple submitters, no conflicts (2 of 4 stars). 3 submissions from 3 submitters: Likely benign (3). Last evaluated 2025-09-22.

Conditions:
Hereditary pancreatitis (PCTT). Also called: Hereditary chronic pancreatitis; PRSS1-Related Hereditary Pancreatitis. Identifiers: Orphanet 676, MedGen C0238339, MONDO:0008185, OMIM 167800.

Allele frequency attached by ClinVar (database versions not stated): gnomAD 0.00001; gnomAD exomes 0.00002; TOPMed 0.00004; ExAC 0.00007.
gnomAD v4.1: 14 of 1,613,556 alleles (0.00087%); highest among the groups gnomAD compares: Admixed American, 0.022%; no homozygotes.

Submissions (3):

Labcorp Genetics (formerly Invitae), Labcorp
Classification: Likely benign for Hereditary pancreatitis. Last evaluated: 2025-09-22. Review status: criteria provided, single submitter. Criteria: Invitae Variant Classification Sherloc (09022015). Collection method: clinical testing. Allele origin: germline.

Women's Health and Genetics/Laboratory Corporation of America, LabCorp
Classification: Likely benign. Last evaluated: 2024-11-26. Review status: criteria provided, single submitter. Criteria: LabCorp Variant Classification Summary - May 2015. Collection method: clinical testing. Allele origin: germline.
Comment: Variant summary: PRSS1 c.705T>C alters a non-conserved nucleotide resulting in a synonymous change. Consensus agreement among computation tools predict no significant impact on normal splicing. However, these predictions have yet to be confirmed by functional studies. The variant allele was found at a frequency of 5.2e-05 in 251476 control chromosomes. This frequency is not significantly higher than estimated for a pathogenic variant in PRSS1 causing Chronic Pancreatitis Risk (5.2e-05 vs 0.00025), allowing no conclusion about variant significance. To our knowledge, no occurrence of c.705T>C in individuals affected with Chronic Pancreatitis Risk and no experimental evidence demonstrating its impact on protein function have been reported. ClinVar contains an entry for this variant (Variation ID: 1756948). Based on the evidence outlined above, the variant was classified as likely benign.

Ambry Genetics
Classification: Likely benign for Hereditary pancreatitis. Last evaluated: 2022-05-04. Review status: criteria provided, single submitter. Criteria: Ambry Variant Classification Scheme 2023. Collection method: clinical testing. Allele origin: germline.